The following is an entry in ClinVar:

ClinVar aggregate classification (germline): Conflicting classifications of pathogenicity. Review status: criteria provided, conflicting classifications (1 of 4 stars). 2 submissions from 2 submitters: Uncertain significance (1); Likely benign (1). Last evaluated 2025-05-11.

Conditions:
Hereditary cancer-predisposing syndrome. Also called: Tumor predisposition; Hereditary neoplastic syndrome; Neoplastic Syndromes, Hereditary; Hereditary Cancer Syndrome. Identifiers: Orphanet 140162, MedGen C0027672, MeSH D009386, MONDO:0015356.

Allele frequency attached by ClinVar (database versions not stated): gnomAD exomes below 0.00001.
gnomAD v4.1: 3 of 1,613,916 alleles (0.00019%); highest among the groups gnomAD compares: Non-Finnish European, 0.00025%; no homozygotes.

Submissions (2):

Labcorp Genetics (formerly Invitae), Labcorp
Classification: Uncertain significance. Last evaluated: 2025-05-11. Review status: criteria provided, single submitter. Criteria: Invitae Variant Classification Sherloc (09022015). Collection method: clinical testing. Allele origin: germline.
Comment: This sequence change replaces isoleucine, which is neutral and non-polar, with valine, which is neutral and non-polar, at codon 2246 of the POLE protein (p.Ile2246Val). This variant is not present in population databases (gnomAD no frequency). This variant has not been reported in the literature in individuals affected with POLE-related conditions. ClinVar contains an entry for this variant (Variation ID: 846512). Invitae Evidence Modeling of protein sequence and biophysical properties (such as structural, functional, and spatial information, amino acid conservation, physicochemical variation, residue mobility, and thermodynamic stability) indicates that this missense variant is not expected to disrupt POLE protein function with a negative predictive value of 80%. In summary, the available evidence is currently insufficient to determine the role of this variant in disease. Therefore, it has been classified as a Variant of Uncertain Significance.

Ambry Genetics
Classification: Likely benign for Hereditary cancer-predisposing syndrome. Last evaluated: 2024-03-28. Review status: criteria provided, single submitter. Criteria: Ambry Variant Classification Scheme 2023. Collection method: clinical testing. Allele origin: germline.

NM_006231.4(POLE):c.6736A>G (p.Ile2246Val)

Gene: POLE (DNA polymerase epsilon, catalytic subunit; minus strand). Cytogenetic location: 12q24.33.
Variant type: single nucleotide variant.
Coding change: c.6736A>G on transcript NM_006231.4 (MANE Select); coding-DNA position 6736, A replaced by G.
Protein change: p.Ile2246Val; replaces isoleucine 2246 with valine.
Molecular consequence: missense variant.
Genome position (GRCh38, 1-based): chr12:132,624,916, T>C on the plus strand (A>G on the coding strand, the complement: POLE is on the minus strand). VCF-style: chr12-132624916-T-C. GRCh37 (hg19) VCF-style: chr12-133201502-T-C.
Other names: short protein forms I2246V.
Identifiers: ClinVar variation 846512 (VCV000846512.12), dbSNP rs1566307090, ClinGen allele CA387366015.